The following is an entry in ClinVar:

ClinVar aggregate classification (germline): Uncertain significance. Review status: criteria provided, multiple submitters, no conflicts (2 of 4 stars). 4 submissions from 4 submitters: Uncertain significance (4). Last evaluated 2025-06-10.

Conditions:
DENND5A-related disorder. Also called: DENND5A-related condition.
Inborn genetic diseases. Identifiers: MedGen C0950123, MeSH D030342.

Allele frequency attached by ClinVar (database versions not stated): ExAC 0.00021; gnomAD 0.00025; TOPMed 0.00029; ESP Exome Variant Server 0.00038.
gnomAD v4.1: 585 of 1,613,920 alleles (0.036%); highest among the groups gnomAD compares: Non-Finnish European, 0.047%; no homozygotes.

Submissions (4):

Ambry Genetics
Classification: Uncertain significance for Inborn genetic diseases. Last evaluated: 2025-06-10. Review status: criteria provided, single submitter. Criteria: Ambry Variant Classification Scheme 2023. Collection method: clinical testing. Allele origin: germline.

CeGaT Center for Human Genetics Tuebingen
Classification: Uncertain significance. Last evaluated: 2025-04-01. Review status: criteria provided, single submitter. Criteria: CeGaT Center For Human Genetics Tuebingen Variant Classification Criteria Version 2. Collection method: clinical testing. Allele origin: germline. Affected: yes. Observed: 2 variant alleles.
Comment: DENND5A: PM2

PreventionGenetics, part of Exact Sciences
Classification: Uncertain significance for DENND5A-related condition. Last evaluated: 2024-11-15. Review status: criteria provided, single submitter. Criteria: ACMG Guidelines, 2015. Collection method: clinical testing. Allele origin: germline.
Comment: The DENND5A c.3265A>G variant is predicted to result in the amino acid substitution p.Ile1089Val. To our knowledge, this variant has not been reported in the literature. This variant is reported in 0.052% of alleles in individuals of European (Non-Finnish) descent in gnomAD. Although we suspect that this variant may be benign, at this time, the clinical significance of this variant is uncertain due to the absence of conclusive functional and genetic evidence.

Labcorp Genetics (formerly Invitae), Labcorp
Classification: Uncertain significance. Last evaluated: 2022-11-01. Review status: criteria provided, single submitter. Criteria: Invitae Variant Classification Sherloc (09022015). Collection method: clinical testing. Allele origin: germline.
Comment: This sequence change replaces isoleucine, which is neutral and non-polar, with valine, which is neutral and non-polar, at codon 1089 of the DENND5A protein (p.Ile1089Val). This variant is present in population databases (rs201701538, gnomAD 0.05%). This variant has not been reported in the literature in individuals affected with DENND5A-related conditions. Advanced modeling of protein sequence and biophysical properties (such as structural, functional, and spatial information, amino acid conservation, physicochemical variation, residue mobility, and thermodynamic stability) performed at Invitae indicates that this missense variant is not expected to disrupt DENND5A protein function. In summary, the available evidence is currently insufficient to determine the role of this variant in disease. Therefore, it has been classified as a Variant of Uncertain Significance.

NM_015213.4(DENND5A):c.3265A>G (p.Ile1089Val)

Gene: DENND5A (DENN domain containing 5A; minus strand). Cytogenetic location: 11p15.4.
Variant type: single nucleotide variant.
Coding change: c.3265A>G on transcript NM_015213.4 (MANE Select); coding-DNA position 3265, A replaced by G.
Protein change: p.Ile1089Val; replaces isoleucine 1089 with valine.
Molecular consequence: missense variant. On other transcripts: non-coding transcript variant (1).
Genome position (GRCh38, 1-based): chr11:9,144,136, T>C on the plus strand (A>G on the coding strand, the complement: DENND5A is on the minus strand). VCF-style: chr11-9144136-T-C. GRCh37 (hg19) VCF-style: chr11-9165683-T-C.
Other names: c.3265A>G, p.Ile1089Val (NM_001243254.2, NM_001348748.1); c.3193A>G, p.Ile1065Val (NM_001348749.2); c.2977A>G, p.Ile993Val (NM_001348750.2); c.3265A>G (NM_015213.3); short protein forms I993V, I1089V, I1065V.
Identifiers: ClinVar variation 2072263 (VCV002072263.24), dbSNP rs201701538, ClinGen allele CA5877089.